The following is an entry in ClinVar:

ClinVar aggregate classification (germline): Uncertain significance. Review status: criteria provided, multiple submitters, no conflicts (2 of 4 stars). 2 submissions from 2 submitters: Uncertain significance (2). Last evaluated 2025-12-04.

Conditions:
Intellectual developmental disorder with cardiac defects and dysmorphic facies (IDDCDF). Identifiers: Orphanet 562569, MedGen C5193024, MONDO:0032672, OMIM 618316.
Inborn genetic diseases. Identifiers: MedGen C0950123, MeSH D030342.

Allele frequency attached by ClinVar (database versions not stated): ESP Exome Variant Server 0.00015; 1000 Genomes Project 30x 0.00016; gnomAD 0.00023 and 0.00024; TOPMed 0.00009; gnomAD exomes 0.00016 and 0.00022; ExAC 0.00020; 1000 Genomes Project 0.00020.
gnomAD v4.1: 263 of 1,613,364 alleles (0.016%); highest among the groups gnomAD compares: Non-Finnish European, 0.015%; no homozygotes.

Submissions (2):

Ambry Genetics
Classification: Uncertain significance for Inborn genetic diseases. Last evaluated: 2025-12-04. Review status: criteria provided, single submitter. Criteria: Ambry Variant Classification Scheme 2023. Collection method: clinical testing. Allele origin: germline.
Comment: The c.3601C>T (p.R1201C) alteration is located in exon 28 (coding exon 27) of the TMEM94 gene. This alteration results from a C to T substitution at nucleotide position 3601, causing the arginine (R) at amino acid position 1201 to be replaced by a cysteine (C). Based on data from gnomAD, the T allele has an overall frequency of 0.029% (81/282096) total alleles studied. The highest observed frequency was 0.093% (23/24734) of European (Finnish) alleles. Based on insufficient or conflicting evidence, the clinical significance of this alteration remains unclear.

Baylor Genetics
Classification: Uncertain significance for Intellectual developmental disorder with cardiac defects and dysmorphic facies. Last evaluated: 2019-12-04. Review status: criteria provided, single submitter. Criteria: ACMG Guidelines, 2015. Collection method: clinical testing. Allele origin: unknown. Affected: yes.
Comment: This variant was determined to be of uncertain significance according to ACMG Guidelines, 2015 [PMID:25741868].

NM_014738.6(TMEM94):c.3601C>T (p.Arg1201Cys)

Gene: TMEM94 (transmembrane protein 94; plus strand). Cytogenetic location: 17q25.1.
Variant type: single nucleotide variant.
Coding change: c.3601C>T on transcript NM_014738.6 (MANE Select); coding-DNA position 3601, C replaced by T.
Protein change: p.Arg1201Cys; replaces arginine 1201 with cysteine.
Molecular consequence: missense variant.
Genome position (GRCh38, 1-based): chr17:75,498,286, C>T. VCF-style: chr17-75498286-C-T. GRCh37 (hg19) VCF-style: chr17-73494367-C-T.
Other names: c.3631C>T, p.Arg1211Cys (NM_001321148.2); c.3613C>T, p.Arg1205Cys (NM_001321149.2); c.3553C>T, p.Arg1185Cys (NM_001351202.2); c.3628C>T, p.Arg1210Cys (NM_001351203.2); short protein forms R1205C, R1185C, R1210C, R1201C, R1211C.
Identifiers: ClinVar variation 1027886 (VCV001027886.2), dbSNP rs370096925, ClinGen allele CA8762556.
Genomic context (GRCh38, chr17:75,498,286, plus strand): 5'-AGCTCCTGCCTCATCTGCTTTGGCTTCACACTGCAGAGCTTCTGTGACAGCTCCCGGGAC[C>T]GCAACCTCACCAACTGCTCCTCCGTCATGCTGCCCAGGTGGGTCCCAGCCCCAGAGATCC-3'
Protein context (NP_055553.3, residues 1191-1211): LQSFCDSSRD[Arg1201Cys]NLTNCSSVML